The following is an entry in ClinVar:

ClinVar aggregate classification (germline): Uncertain significance. Review status: criteria provided, multiple submitters, no conflicts (2 of 4 stars). 2 submissions from 2 submitters: Uncertain significance (2). Last evaluated 2025-01-01.

Conditions:
Encephalopathy, acute, infection-induced (herpes-specific), susceptibility to, 1. Also called: Herpes simplex encephalitis, susceptibility to, 1. Identifiers: Orphanet 1930, MedGen C2750180, MONDO:0024563, OMIM 610551.
TLR3-related disorder. Also called: TLR3-related condition.

Allele frequency attached by ClinVar (database versions not stated): ExAC 0.00001; gnomAD 0.00001; TOPMed 0.00001.
gnomAD v4.1: 12 of 1,613,978 alleles (0.00074%); highest among the groups gnomAD compares: East Asian, 0.0022%; no homozygotes.

Submissions (2):

Labcorp Genetics (formerly Invitae), Labcorp
Classification: Uncertain significance for Encephalopathy, acute, infection-induced (herpes-specific), susceptibility to, 1. Last evaluated: 2025-01-01. Review status: criteria provided, single submitter. Criteria: Invitae Variant Classification Sherloc (09022015). Collection method: clinical testing. Allele origin: germline.
Comment: This sequence change replaces alanine, which is neutral and non-polar, with threonine, which is neutral and polar, at codon 549 of the TLR3 protein (p.Ala549Thr). This variant is present in population databases (rs764860383, gnomAD 0.002%). This variant has not been reported in the literature in individuals affected with TLR3-related conditions. ClinVar contains an entry for this variant (Variation ID: 2635905). An algorithm developed to predict the effect of missense changes on protein structure and function (PolyPhen-2) suggests that this variant is likely to be disruptive. In summary, the available evidence is currently insufficient to determine the role of this variant in disease. Therefore, it has been classified as a Variant of Uncertain Significance.

PreventionGenetics, part of Exact Sciences
Classification: Uncertain significance for TLR3-related condition. Last evaluated: 2023-04-11. Review status: criteria provided, single submitter. Criteria: ACMG Guidelines, 2015. Collection method: clinical testing. Allele origin: germline.
Comment: The TLR3 c.1645G>A variant is predicted to result in the amino acid substitution p.Ala549Thr. To our knowledge, this variant has not been reported in the literature. This variant is reported in 0.0023% of alleles in individuals of European (Non-Finnish) descent in gnomAD. At this time, the clinical significance of this variant is uncertain due to the absence of conclusive functional and genetic evidence.

NM_003265.3(TLR3):c.1645G>A (p.Ala549Thr)

Gene: TLR3 (toll like receptor 3; plus strand). Cytogenetic location: 4q35.1.
Variant type: single nucleotide variant.
Coding change: c.1645G>A on transcript NM_003265.3 (MANE Select); coding-DNA position 1645, G replaced by A.
Protein change: p.Ala549Thr; replaces alanine 549 with threonine.
Molecular consequence: missense variant.
Genome position (GRCh38, 1-based): chr4:186,083,331, G>A. VCF-style: chr4-186083331-G-A. GRCh37 (hg19) VCF-style: chr4-187004485-G-A.
Other names: short protein forms A549T.
Identifiers: ClinVar variation 2635905 (VCV002635905.4), dbSNP rs764860383, ClinGen allele CA3161449.